The following is an entry in ClinVar:

ClinVar aggregate classification (germline): Pathogenic. Review status: criteria provided, single submitter (1 of 4 stars). 2 submissions from 2 submitters: Pathogenic (1). 1 of the submissions does not count toward it. Last evaluated 2025-09-21.

Conditions:
Neuronal ceroid lipofuscinosis 1 (CLN1). Also called: PPT1-Related Neuronal Ceroid-Lipofuscinosis; CEROID LIPOFUSCINOSIS, NEURONAL, 1, VARIABLE AGE AT ONSET. Identifiers: Orphanet 228329, MedGen C1850451, MONDO:0009744, OMIM 256730.

Allele frequency attached by ClinVar (database versions not stated): TOPMed 0.00001.
gnomAD v4.1: 1 of 1,613,702 alleles (0.000062%); highest among the groups gnomAD compares: African/African-American, 0.0013%; no homozygotes.

Submissions (2):

Labcorp Genetics (formerly Invitae), Labcorp
Classification: Pathogenic for Neuronal ceroid lipofuscinosis 1. Last evaluated: 2025-09-21. Review status: criteria provided, single submitter. Criteria: Invitae Variant Classification Sherloc (09022015). Collection method: clinical testing. Allele origin: germline.
Comment: This sequence change creates a premature translational stop signal (p.Gln177*) in the PPT1 gene. It is expected to result in an absent or disrupted protein product. Loss-of-function variants in PPT1 are known to be pathogenic (PMID: 10679943, 21990111). This variant is not present in population databases (gnomAD no frequency). This variant has not been reported in the literature in individuals affected with PPT1-related conditions. ClinVar contains an entry for this variant (Variation ID: 370716). Algorithms developed to predict the effect of sequence changes on RNA splicing suggest that this variant may disrupt the consensus splice site. For these reasons, this variant has been classified as Pathogenic.

Counsyl
Classification: Likely pathogenic for Neuronal ceroid lipofuscinosis 1. Last evaluated: 2016-03-29. Review status: no assertion criteria provided. Collection method: clinical testing. Allele origin: unknown. Not counted in ClinVar's aggregate classification.

Literature cited by the submitters: PubMed 10679943 (cited by Labcorp Genetics (formerly Invitae), Labcorp); PubMed 21990111 (cited by Labcorp Genetics (formerly Invitae), Labcorp).

NM_000310.4(PPT1):c.529C>T (p.Gln177Ter)

Gene: PPT1 (palmitoyl-protein thioesterase 1; minus strand). Cytogenetic location: 1p34.2.
Variant type: single nucleotide variant.
Coding change: c.529C>T on transcript NM_000310.4 (MANE Select); coding-DNA position 529, C replaced by T.
Protein change: p.Gln177Ter; replaces glutamine 177 with a stop codon.
Molecular consequence: nonsense.
Genome position (GRCh38, 1-based): chr1:40,089,417, G>A on the plus strand (C>T on the coding strand, the complement: PPT1 is on the minus strand). VCF-style: chr1-40089417-G-A. GRCh37 (hg19) VCF-style: chr1-40555089-G-A.
Other names: c.220C>T, p.Gln74Ter (NM_001142604.2); c.529C>T, p.Gln177Ter (NM_001363695.2); short protein forms Q177*, Q74*.
Identifiers: ClinVar variation 370716 (VCV000370716.7), dbSNP rs386833650, ClinGen allele CA16040728.